The following is an entry in ClinVar:

ClinVar aggregate classification (germline): Uncertain significance. Review status: criteria provided, multiple submitters, no conflicts (2 of 4 stars). 2 submissions from 2 submitters: Uncertain significance (2). Last evaluated 2022-03-21.

Conditions:
Nephronophthisis 14 (NPHP14). Identifiers: Orphanet 2318, MedGen C3539071, MONDO:0013916, OMIM 614844.

Allele frequency attached by ClinVar (database versions not stated): gnomAD exomes below 0.00001 and 0.00001; gnomAD 0.00001 and 0.00002; TOPMed 0.00002.
gnomAD v4.1: 18 of 1,614,000 alleles (0.0011%); highest among the groups gnomAD compares: East Asian, 0.0022%; no homozygotes.

Submissions (2):

Blueprint Genetics
Classification: Uncertain significance. Last evaluated: 2022-03-21. Review status: criteria provided, single submitter. Criteria: ACMG Guidelines, 2015. Collection method: clinical testing. Allele origin: germline.

Labcorp Genetics (formerly Invitae), Labcorp
Classification: Uncertain significance for Nephronophthisis 14. Last evaluated: 2022-02-08. Review status: criteria provided, single submitter. Criteria: Invitae Variant Classification Sherloc (09022015). Collection method: clinical testing. Allele origin: germline.
Comment: This sequence change replaces glycine, which is neutral and non-polar, with arginine, which is basic and polar, at codon 120 of the ZNF423 protein (p.Gly120Arg). This variant is present in population databases (no rsID available, gnomAD 0.0009%). This variant has not been reported in the literature in individuals affected with ZNF423-related conditions. ClinVar contains an entry for this variant (Variation ID: 1001017). Algorithms developed to predict the effect of missense changes on protein structure and function are either unavailable or do not agree on the potential impact of this missense change (SIFT: "Deleterious"; PolyPhen-2: "Possibly Damaging"; Align-GVGD: "Class C0"). In summary, the available evidence is currently insufficient to determine the role of this variant in disease. Therefore, it has been classified as a Variant of Uncertain Significance.

NM_001379286.1(ZNF423):c.382G>A (p.Gly128Arg)

Gene: ZNF423 (zinc finger protein 423; minus strand). Cytogenetic location: 16q12.1.
Variant type: single nucleotide variant.
Coding change: c.382G>A on transcript NM_001379286.1 (MANE Select); coding-DNA position 382, G replaced by A.
Protein change: p.Gly128Arg; replaces glycine 128 with arginine.
Molecular consequence: missense variant.
Genome position (GRCh38, 1-based): chr16:49,638,794, C>T on the plus strand (G>A on the coding strand, the complement: ZNF423 is on the minus strand). VCF-style: chr16-49638794-C-T. GRCh37 (hg19) VCF-style: chr16-49672705-C-T.
Other names: c.178G>A, p.Gly60Arg (NM_001271620.2); c.7G>A, p.Gly3Arg (NM_001330533.2); c.358G>A, p.Gly120Arg (NM_015069.5); short protein forms G120R, G128R, G3R, G60R.
Identifiers: ClinVar variation 1001017 (VCV001001017.7), dbSNP rs1246829131, ClinGen allele CA395852611.